The following is an entry in ClinVar:

ClinVar aggregate classification (germline): Pathogenic/Likely pathogenic. Review status: no assertion criteria provided (0 of 4 stars). 2 submissions from 2 submitters: Pathogenic (1); Likely pathogenic (1). Last evaluated 2024-12-12.

Conditions:
Autosomal dominant optic atrophy classic form (OPA1). Also called: KJER-TYPE OPTIC ATROPHY; OPTIC ATROPHY, JUVENILE; Optic Atrophy Type 1. Identifiers: Orphanet 98673, MedGen C0338508, MONDO:0008134, OMIM 165500.
Optic atrophy. Identifiers: MedGen C0029124, MONDO:0003608, HP:0000648.

Submissions (2):

CGC Genetics, Unilabs
Classification: Likely pathogenic for Autosomal dominant optic atrophy classic form. Last evaluated: 2024-12-12. Review status: no assertion criteria provided. Collection method: clinical testing. Allele origin: unknown. Inheritance: Autosomal dominant inheritance. Affected: yes. Observed: 1 heterozygote.
Comment: The NM_015560.3:c.984+1_984+5del p.? variant, detected in heterozygosity in the OPA1 gene (chr.3), has been described in the literature in patients with optic atrophy, and segregation of the variant with the disease has already been reported in one family (PMID: 12036970, 12488262). It has not been reported in the gnomAD population database at the time of this submission. This variant affects a canonical splicing donor site in intron 9 (of 29 exons) and bioinformatic analysis predicts that it affects the correct splicing of exon 9. With the currently information available, it should be classified as a likely pathogenic variant. ACMG criteria: PVS1_moderate; PM2_supporting; PP1_strong.

Institute of Human Genetics, Univ. Regensburg, Univ. Regensburg
Classification: Pathogenic for Optic atrophy. Last evaluated: 2021-01-01. Review status: no assertion criteria provided. Criteria: ACMG Guidelines, 2015. Collection method: clinical testing. Allele origin: germline. Affected: yes.

Literature cited by the submitters: PubMed 12036970 (cited by CGC Genetics, Unilabs); PubMed 12488262 (cited by CGC Genetics, Unilabs).

NM_130837.3(OPA1):c.1149+1_1149+5del

Gene: OPA1 (OPA1 mitochondrial dynamin like GTPase; plus strand). Cytogenetic location: 3q29.
Variant type: Deletion.
Coding change: c.1149+1_1149+5del on transcript NM_130837.3 (MANE Select); the canonical splice donor site of the intron after coding-DNA position 1149 through 5 bases into the intron after coding-DNA position 1149, 5 bases deleted (GTAAG; older notation c.1149+1_1149+5delGTAAG).
Molecular consequence: splice donor variant.
Genome position (GRCh38, 1-based): chr3:193,638,066-193,638,070, GTAAG deleted; deleting any 5 consecutive bases within chr3:193,638,062-193,638,070 gives the same sequence; the c. name uses the placement nearest the transcript's 3' end. VCF-style (leftmost placement, unchanged base first): chr3-193638061-TTAAGG-T. GRCh37 (hg19) VCF-style: chr3-193355850-TTAAGG-T.
Other names: c.612+1_612+5del (NM_001354664.2); c.615+1_615+5del (NM_001354663.2); c.1038+1_1038+5del (NM_130834.3); c.1095+1_1095+5del (NM_130836.3); c.984+1_984+5del (NM_015560.3); c.1041+1_1041+5del (NM_130835.3); c.930+1_930+5del (NM_130832.3); c.987+1_987+5del (NM_130833.3); and 1 more.
Identifiers: ClinVar variation 3250086 (VCV003250086.2).
Genomic context (GRCh38, chr3:193,638,061, plus strand): 5'-TGATTGCCCAAGCTCGAATATTCCCAAGAGGATCTGGGGAGATGATGACACGTTCTCCAG[TTAAGG>T]TAAGAACATAGGCCGTCTCAGTGAGGTTCCTTAGGAGAGTAACTGCTTCAGTGAGACCTG-3'